The following is an entry in ClinVar:

ClinVar aggregate classification (germline): Likely benign (1 of 4 stars; one submission).

gnomAD v4.1: 30 of 1,591,926 alleles (0.0019%); highest among the groups gnomAD compares: South Asian, 0.0046%; no homozygotes.

Submission:

CeGaT Center for Human Genetics Tuebingen
Classification: Likely benign. Last evaluated: 2025-09-01. Review status: criteria provided, single submitter. Criteria: CeGaT Center For Human Genetics Tuebingen Variant Classification Criteria Version 2. Collection method: clinical testing. Allele origin: germline. Affected: yes. Observed: 1 variant allele.
Comment: TET3: BP4, BP7

NM_001287491.2(TET3):c.3066G>A (p.Gln1022=)

Gene: TET3 (tet methylcytosine dioxygenase 3; plus strand). Cytogenetic location: 2p13.1.
Variant type: single nucleotide variant.
Coding change: c.3066G>A on transcript NM_001287491.2 (MANE Select); coding-DNA position 3066, G replaced by A.
Protein change: p.Gln1022=; no amino-acid change (glutamine 1022 retained).
Molecular consequence: synonymous variant.
Genome position (GRCh38, 1-based): chr2:74,092,928, G>A. VCF-style: chr2-74092928-G-A. GRCh37 (hg19) VCF-style: chr2-74320055-G-A.
Other names: c.2787G>A, p.Gln929= (NM_001366022.1).
Identifiers: ClinVar variation 4534482 (VCV004534482.6).
Genomic context (GRCh38, chr2:74,092,928, plus strand): 5'-TGCTCTGGATGTGTGACTGCCCCTCTCTCTGCAGGAAGAAGTGCTCCGGAAGAGTTTCCA[G>A]GACCTGGCCACCGAAGTCGCTCCCCTGTACAAGCGACTGGCCCCTCAGGCCTATCAGAAC-3'
Protein context (NP_001274420.1, residues 1012-1032): KEEEVLRKSF[Gln1022=]DLATEVAPLY